The following is an entry in ClinVar:

ClinVar aggregate classification (germline): Conflicting classifications of pathogenicity. Review status: criteria provided, conflicting classifications (1 of 4 stars). 9 submissions from 9 submitters: Uncertain significance (6); Likely benign (3). Last evaluated 2026-06-01.

Conditions:
PCNT-related disorder. Also called: PCNT-related condition.
Global developmental delay (DD). Also called: Cognitive delay. Identifiers: MedGen C0557874, HP:0001263. Disease mechanism: loss of function.
Microcephalic osteodysplastic primordial dwarfism type II (MOPD2). Also called: Microcephalic osteodysplastic primordial dwarfism with tooth abnormalities; OSTEODYSPLASTIC PRIMORDIAL DWARFISM, TYPE II; MOPD II. Identifiers: Orphanet 2637, MedGen C0432246, MONDO:0008872, OMIM 210720.

Allele frequency attached by ClinVar (database versions not stated): ExAC 0.00020; ESP Exome Variant Server 0.00023; gnomAD exomes 0.00025 and 0.00027; TOPMed 0.00030; gnomAD 0.00039 and 0.00041.
gnomAD v4.1: 437 of 1,614,016 alleles (0.027%); highest among the groups gnomAD compares: Admixed American, 0.043%; 1 homozygote.

Submissions (9):

PreventionGenetics, part of Exact Sciences
Classification: Uncertain significance for PCNT-related condition. Last evaluated: 2026-06-01. Review status: criteria provided, single submitter. Criteria: ACMG Guidelines, 2015. Collection method: clinical testing. Allele origin: germline.
Comment: The PCNT c.644G>A variant is predicted to result in the amino acid substitution p.Cys215Tyr. To our knowledge, this variant has not been reported in the literature. This variant is reported in 0.043% of alleles in individuals of European (Non-Finnish) descent in gnomAD, which may be too frequent to be a primary cause of disease. Although we suspect that this variant may be benign, at this time, the clinical significance of this variant is uncertain due to the absence of conclusive functional and genetic evidence.

Labcorp Genetics (formerly Invitae), Labcorp
Classification: Uncertain significance. Last evaluated: 2025-01-13. Review status: criteria provided, single submitter. Criteria: Invitae Variant Classification Sherloc (09022015). Collection method: clinical testing. Allele origin: germline.
Comment: This sequence change replaces cysteine, which is neutral and slightly polar, with tyrosine, which is neutral and polar, at codon 215 of the PCNT protein (p.Cys215Tyr). This variant is present in population databases (rs138962786, gnomAD 0.04%). This variant has not been reported in the literature in individuals affected with PCNT-related conditions. ClinVar contains an entry for this variant (Variation ID: 397627). An algorithm developed to predict the effect of missense changes on protein structure and function (PolyPhen-2) suggests that this variant is likely to be disruptive. In summary, the available evidence is currently insufficient to determine the role of this variant in disease. Therefore, it has been classified as a Variant of Uncertain Significance.

CeGaT Center for Human Genetics Tuebingen
Classification: Likely benign. Last evaluated: 2024-03-01. Review status: criteria provided, single submitter. Criteria: CeGaT Center For Human Genetics Tuebingen Variant Classification Criteria Version 2. Collection method: clinical testing. Allele origin: germline. Affected: yes. Observed: 1 variant allele.
Comment: PCNT: BP4

ARUP Laboratories, Molecular Genetics and Genomics, ARUP Laboratories
Classification: Likely benign for Microcephalic osteodysplastic primordial dwarfism type II. Last evaluated: 2023-11-11. Review status: criteria provided, single submitter. Criteria: ARUP Molecular Germline Variant Investigation Process 2024. Collection method: clinical testing. Allele origin: germline.

GeneDx
Classification: Likely benign. Last evaluated: 2020-07-06. Review status: criteria provided, single submitter. Criteria: GeneDx Variant Classification Process June 2021. Collection method: clinical testing. Allele origin: germline. Affected: yes.

Baylor Genetics
Classification: Uncertain significance for Microcephalic osteodysplastic primordial dwarfism type II. Last evaluated: 2020-06-03. Review status: criteria provided, single submitter. Criteria: ACMG Guidelines, 2015. Collection method: clinical testing. Allele origin: unknown. Affected: yes.
Comment: This variant was determined to be of uncertain significance according to ACMG Guidelines, 2015 [PMID:25741868].

Fulgent Genetics
Classification: Uncertain significance for Microcephalic osteodysplastic primordial dwarfism type II. Last evaluated: 2018-10-31. Review status: criteria provided, single submitter. Criteria: ACMG Guidelines, 2015. Collection method: clinical testing. Allele origin: unknown.

Claritas Genomics
Classification: Uncertain significance. Last evaluated: 2017-02-21. Review status: criteria provided, single submitter. Criteria: ACMG Guidelines, 2015. Collection method: clinical testing. Allele origin: germline. Affected: yes.

Genetic Services Laboratory, University of Chicago
Classification: Uncertain significance. Last evaluated: 2016-11-02. Review status: criteria provided, single submitter. Criteria: ACMG Guidelines, 2015. Collection method: clinical testing. Allele origin: germline. Affected: no.

NM_006031.6(PCNT):c.644G>A (p.Cys215Tyr)

Gene: PCNT (pericentrin; plus strand). Cytogenetic location: 21q22.3.
Variant type: single nucleotide variant.
Coding change: c.644G>A on transcript NM_006031.6 (MANE Select); coding-DNA position 644, G replaced by A.
Protein change: p.Cys215Tyr; replaces cysteine 215 with tyrosine.
Molecular consequence: missense variant.
Genome position (GRCh38, 1-based): chr21:46,346,132, G>A. VCF-style: chr21-46346132-G-A. GRCh37 (hg19) VCF-style: chr21-47766046-G-A.
Other names: c.290G>A, p.Cys97Tyr (NM_001315529.2); short protein forms C215Y, C97Y.
Identifiers: ClinVar variation 397627 (VCV000397627.40), dbSNP rs138962786, ClinGen allele CA10078351.